The following is an entry in ClinVar:

ClinVar aggregate classification (germline): Uncertain significance (1 of 4 stars; one submission).

gnomAD v4.1: 4 of 1,614,034 alleles (0.00025%); highest among the groups gnomAD compares: Non-Finnish European, 0.00034%; no homozygotes.

Submission:

GeneDx
Classification: Uncertain significance. Last evaluated: 2025-07-02. Review status: criteria provided, single submitter. Criteria: GeneDx Variant Classification Process June 2021. Collection method: clinical testing. Allele origin: germline. Affected: yes.
Comment: Nonsense variant predicted to result in protein truncation as the last 45 amino acid(s) are lost; Not observed at significant frequency in large population cohorts (gnomAD); Has not been previously published as pathogenic or benign to our knowledge

NM_002292.4(LAMB2):c.5260G>T (p.Glu1754Ter)

Gene: LAMB2 (laminin subunit beta 2; minus strand). Cytogenetic location: 3p21.31.
Variant type: single nucleotide variant.
Coding change: c.5260G>T on transcript NM_002292.4 (MANE Select); coding-DNA position 5260, G replaced by T.
Protein change: p.Glu1754Ter; replaces glutamic acid 1754 with a stop codon.
Molecular consequence: nonsense.
Genome position (GRCh38, 1-based): chr3:49,121,433, C>A on the plus strand (G>T on the coding strand, the complement: LAMB2 is on the minus strand). VCF-style: chr3-49121433-C-A. GRCh37 (hg19) VCF-style: chr3-49158866-C-A.
Other names: short protein forms E1754*.
Identifiers: ClinVar variation 4681140 (VCV004681140.1).